The following is an entry in ClinVar:

NM_004366.6(CLCN2):c.672C>T (p.Ser224=)

Gene: CLCN2 (chloride voltage-gated channel 2; minus strand). Cytogenetic location: 3q27.1.
Variant type: single nucleotide variant.
Coding change: c.672C>T on transcript NM_004366.6 (MANE Select); coding-DNA position 672, C replaced by T.
Protein change: p.Ser224=; no amino-acid change (serine 224 retained).
Molecular consequence: synonymous variant.
Genome position (GRCh38, 1-based): chr3:184,357,800, G>A on the plus strand (C>T on the coding strand, the complement: CLCN2 is on the minus strand). VCF-style: chr3-184357800-G-A. GRCh37 (hg19) VCF-style: chr3-184075588-G-A.
Other names: c.672C>T, p.Ser224= (NM_001171087.3, NM_001171089.3); c.540C>T, p.Ser180= (NM_001171088.3).
Identifiers: ClinVar variation 707536 (VCV000707536.10), dbSNP rs755629585, ClinGen allele CA2734414.

ClinVar aggregate classification (germline): Likely benign. Review status: criteria provided, multiple submitters, no conflicts (2 of 4 stars). 3 submissions from 3 submitters: Likely benign (2). 1 of the submissions does not count toward it. Last evaluated 2025-06-13.

Conditions:
CLCN2-related disorder. Also called: CLCN2-related condition; CLCN2-related disorders.
Familial hyperaldosteronism type II. Also called: FH II. Identifiers: Orphanet 404, MedGen C1854107, MONDO:0011576, OMIM 605635.
Leukoencephalopathy with mild cerebellar ataxia and white matter edema (LKPAT). Also called: Leukoencephalopathy with ataxia; Leukoencephalopathy with white matter edema; Brain white matter edema; CLCN2-Related Leukoencephalopathy. Identifiers: Orphanet 363540, MedGen C4554120, MONDO:0014292, OMIM 615651. Disease mechanism: loss of function.
Epilepsy, idiopathic generalized, susceptibility to, 11 (EIG11). Identifiers: Orphanet 307, MedGen C2750893, MONDO:0011875, OMIM 607628.

Allele frequency attached by ClinVar (database versions not stated): gnomAD 0.00001; gnomAD exomes 0.00005 and 0.00010; TOPMed 0.00005; ExAC 0.00008.
gnomAD v4.1: 29 of 1,613,686 alleles (0.0018%); highest among the groups gnomAD compares: Admixed American, 0.047%; no homozygotes.

Submissions (3):

Labcorp Genetics (formerly Invitae), Labcorp
Classification: Likely benign. Last evaluated: 2025-06-13. Review status: criteria provided, single submitter. Criteria: Invitae Variant Classification Sherloc (09022015). Collection method: clinical testing. Allele origin: germline.

Fulgent Genetics
Classification: Likely benign for Familial hyperaldosteronism type II; Epilepsy, idiopathic generalized, susceptibility to, 11; Leukoencephalopathy with mild cerebellar ataxia and white matter edema. Last evaluated: 2021-09-30. Review status: criteria provided, single submitter. Criteria: ACMG Guidelines, 2015. Collection method: clinical testing. Allele origin: unknown.

PreventionGenetics, part of Exact Sciences
Classification: Likely benign for CLCN2-related condition. Last evaluated: 2019-06-20. Review status: no assertion criteria provided. Collection method: clinical testing. Allele origin: germline. Not counted in ClinVar's aggregate classification.
Comment: This variant is classified as likely benign based on ACMG/AMP sequence variant interpretation guidelines (Richards et al. 2015 PMID: 25741868, with internal and published modifications).